The following is an entry in ClinVar:

NM_018979.4(WNK1):c.2779A>G (p.Asn927Asp)

Gene: WNK1 (WNK lysine deficient protein kinase 1; plus strand). Cytogenetic location: 12p13.33.
Variant type: single nucleotide variant.
Coding change: c.2779A>G on transcript NM_018979.4 (MANE Select); coding-DNA position 2779, A replaced by G.
Protein change: p.Asn927Asp; replaces asparagine 927 with aspartic acid.
Molecular consequence: missense variant. On other transcripts: intron variant (3).
Genome position (GRCh38, 1-based): chr12:879,978, A>G. VCF-style: chr12-879978-A-G. GRCh37 (hg19) VCF-style: chr12-989144-A-G.
Other names: c.3867+1617A>G (NM_213655.5); c.3613-743A>G (NM_001184985.2); c.2370+1617A>G (NM_014823.3); short protein forms N927D.
Identifiers: ClinVar variation 4886621 (VCV004886621.2).

ClinVar aggregate classification (germline): Uncertain significance (1 of 4 stars; one submission).

Submission:

Dasa
Classification: Uncertain significance. Last evaluated: 2025-07-07. Review status: criteria provided, single submitter. Criteria: DASA Assertion Criteria. Collection method: clinical testing. Allele origin: germline.
Comment: NM_018979.4(WNK1):c.2779A>G (p.Asn927Asp) is a missense variant that results in the substitution of asparagine with aspartic acid. This variant is absent from population databases. Computational prediction algorithms are consistent with a benign effect. The currently available literature and clinical evidence are not sufficient to establish a definitive association between this variant and the reported condition. Therefore, this variant is classified as a variant of uncertain significance.